The following is an entry in ClinVar:

ClinVar aggregate classification (germline): Conflicting classifications of pathogenicity. Review status: criteria provided, conflicting classifications (1 of 4 stars). 5 submissions from 5 submitters: Likely pathogenic (2); Uncertain significance (3). Last evaluated 2024-06-10.

Conditions:
Neurofibromatosis, type 1 (NF1). Also called: NEUROFIBROMATOSIS, TYPE I, SOMATIC; VON RECKLINGHAUSEN DISEASE; Peripheral type neurofibromatosis; Neurofibromatosis, type I. Identifiers: Orphanet 636, MedGen C0027831, MONDO:0018975, OMIM 162200. Disease mechanism: loss of function.

Submissions (5):

Dasa
Classification: Likely pathogenic. Last evaluated: 2024-06-10. Review status: criteria provided, single submitter. Criteria: DASA Assertion Criteria. Collection method: clinical testing. Allele origin: germline.
Comment: NM_001042492.3(NF1):c.2894T>A (p.Ile965Lys) is a missense variant that results in the substitution of isoleucine with lysine. This variant has been reported in individuals with NF1-related disorders. Segregation data support an association with disease in the reported family/families. Also, this variant is rare in population databases. Computational evidence supports a deleterious effect. Based on the currently available evidence, this variant is classified as likely pathogenic.

Labcorp Genetics (formerly Invitae), Labcorp
Classification: Likely pathogenic for Neurofibromatosis, type 1. Last evaluated: 2022-11-29. Review status: criteria provided, single submitter. Criteria: Invitae Variant Classification Sherloc (09022015). Collection method: clinical testing. Allele origin: germline.
Comment: This sequence change replaces isoleucine, which is neutral and non-polar, with lysine, which is basic and polar, at codon 965 of the NF1 protein (p.Ile965Lys). This variant is not present in population databases (gnomAD no frequency). This missense change has been observed in individual(s) with neurofibromatosis type 1 (PMID: 22159552). ClinVar contains an entry for this variant (Variation ID: 947673). Advanced modeling of protein sequence and biophysical properties (such as structural, functional, and spatial information, amino acid conservation, physicochemical variation, residue mobility, and thermodynamic stability) performed at Invitae indicates that this missense variant is expected to disrupt NF1 protein function. This variant disrupts the p.Ile965 amino acid residue in NF1. Other variant(s) that disrupt this residue have been determined to be pathogenic (Invitae). This suggests that this residue is clinically significant, and that variants that disrupt this residue are likely to be disease-causing. In summary, the currently available evidence indicates that the variant is pathogenic, but additional data are needed to prove that conclusively. Therefore, this variant has been classified as Likely Pathogenic.

Genome-Nilou Lab
Classification: Uncertain significance for Neurofibromatosis, type 1. Last evaluated: 2022-03-15. Review status: criteria provided, single submitter. Criteria: ACMG Guidelines, 2015. Collection method: clinical testing. Allele origin: germline. Affected: no.

GeneDx
Classification: Uncertain significance. Last evaluated: 2021-02-19. Review status: criteria provided, single submitter. Criteria: GeneDx Variant Classification Process June 2021. Collection method: clinical testing. Allele origin: germline. Affected: yes.
Comment: Not observed in large population cohorts (Lek et al., 2016); In silico analysis supports that this missense variant has a deleterious effect on protein structure/function; Co-observed with a frameshift NF1 variant in an individual with multiple cafe-au-lait macules, axillary freckling, and bilateral Lisch nodules (Terzi 2011, Terzi 2012); This variant is associated with the following publications: (PMID: 21732117, 22159552)

Genome Diagnostics Laboratory, The Hospital for Sick Children
Classification: Uncertain significance for Neurofibromatosis, type 1. Last evaluated: 2020-10-26. Review status: criteria provided, single submitter. Criteria: ACMG Guidelines, 2015. Collection method: clinical testing. Allele origin: germline. Affected: yes.

Literature cited by the submitters: PubMed 22159552 (cited by Labcorp Genetics (formerly Invitae), Labcorp).

NM_001042492.3(NF1):c.2894T>A (p.Ile965Lys)

Gene: NF1 (neurofibromin 1; plus strand). Cytogenetic location: 17q11.2.
Variant type: single nucleotide variant.
Coding change: c.2894T>A on transcript NM_001042492.3 (MANE Select); coding-DNA position 2894, T replaced by A.
Protein change: p.Ile965Lys; replaces isoleucine 965 with lysine.
Molecular consequence: missense variant.
Genome position (GRCh38, 1-based): chr17:31,229,878, T>A. VCF-style: chr17-31229878-T-A. GRCh37 (hg19) VCF-style: chr17-29556896-T-A.
Other names: c.2894T>A, p.Ile965Lys (NM_000267.4); short protein forms I965K.
Identifiers: ClinVar variation 947673 (VCV000947673.14), dbSNP rs1555614438, ClinGen allele CA398986105.